The following is an entry in ClinVar:

NM_001005373.4(LRSAM1):c.1588C>T (p.Arg530Trp)

Gene: LRSAM1 (leucine rich repeat and sterile alpha motif containing 1; plus strand). Cytogenetic location: 9q33.3.
Variant type: single nucleotide variant.
Coding change: c.1588C>T on transcript NM_001005373.4 (MANE Select); coding-DNA position 1588, C replaced by T.
Protein change: p.Arg530Trp; replaces arginine 530 with tryptophan.
Molecular consequence: missense variant. On other transcripts: non-coding transcript variant (2).
Genome position (GRCh38, 1-based): chr9:127,492,886, C>T. VCF-style: chr9-127492886-C-T. GRCh37 (hg19) VCF-style: chr9-130255165-C-T.
Other names: c.1588C>T (NM_138361.4); c.1588C>T, p.Arg530Trp (NM_001005374.4, NM_001384142.1, NM_001384143.1 and 1 more transcripts); c.1507C>T, p.Arg503Trp (NM_001190723.3); c.799C>T, p.Arg267Trp (NM_001384144.1); short protein forms R530W, R503W, R267W.
Identifiers: ClinVar variation 646525 (VCV000646525.14), dbSNP rs772793971, ClinGen allele CA5247056.

ClinVar aggregate classification (germline): Uncertain significance. Review status: criteria provided, multiple submitters, no conflicts (2 of 4 stars). 5 submissions from 5 submitters: Uncertain significance (5). Last evaluated 2025-05-30.

Conditions:
LRSAM1-related disorder. Also called: LRSAM1-related condition.
Charcot-Marie-Tooth disease axonal type 2P. Also called: Charcot-Marie-Tooth Neuropathy Type 2G; CHARCOT-MARIE-TOOTH NEUROPATHY, TYPE 2P; CHARCOT-MARIE-TOOTH DISEASE, AXONAL, TYPE 2G; CMT 2G. Identifiers: Orphanet 300319, Orphanet 99941, MedGen C3280797, MONDO:0013753, OMIM 614436.
Inborn genetic diseases. Identifiers: MedGen C0950123, MeSH D030342.

Allele frequency attached by ClinVar (database versions not stated): TOPMed 0.00002; gnomAD 0.00005; gnomAD exomes 0.00005 and 0.00009; ExAC 0.00012.
gnomAD v4.1: 83 of 1,613,836 alleles (0.0051%); highest among the groups gnomAD compares: South Asian, 0.046%; 1 homozygote.

Submissions (5):

PreventionGenetics, part of Exact Sciences
Classification: Uncertain significance for LRSAM1-related condition. Last evaluated: 2025-05-30. Review status: criteria provided, single submitter. Criteria: ACMG Guidelines, 2015. Collection method: clinical testing. Allele origin: germline.
Comment: The LRSAM1 c.1588C>T variant is predicted to result in the amino acid substitution p.Arg530Trp. This variant has been reported in an individual with Charcot-Marie-Tooth disease type 2P (Modersitzki et al. 2022. PubMed ID: 35234685). This variant is reported in 0.043% of alleles in individuals of South Asian descent in gnomAD. An alternate missense substitution affecting the same amino acid (p.Arg530Gln) has been reported in an individual with Charcot-Marie-Tooth disease (Table S2, Uchôa Cavalcanti et al. 2021. PubMed ID: 34190362). At this time, the clinical significance of the c.1588C>T p.Arg530Trp variant is uncertain due to the absence of conclusive functional and genetic evidence specifically, the known incomplete, age-dependent penetrance of CMT related variants.

Labcorp Genetics (formerly Invitae), Labcorp
Classification: Uncertain significance for Charcot-Marie-Tooth disease axonal type 2P. Last evaluated: 2024-08-29. Review status: criteria provided, single submitter. Criteria: Invitae Variant Classification Sherloc (09022015). Collection method: clinical testing. Allele origin: germline.
Comment: This sequence change replaces arginine, which is basic and polar, with tryptophan, which is neutral and slightly polar, at codon 530 of the LRSAM1 protein (p.Arg530Trp). This variant is present in population databases (rs772793971, gnomAD 0.04%). This missense change has been observed in individual(s) with Charcot-Marie-Tooth disease (PMID: 35234685). ClinVar contains an entry for this variant (Variation ID: 646525). Invitae Evidence Modeling of protein sequence and biophysical properties (such as structural, functional, and spatial information, amino acid conservation, physicochemical variation, residue mobility, and thermodynamic stability) has been performed for this missense variant. However, the output from this modeling did not meet the statistical confidence thresholds required to predict the impact of this variant on LRSAM1 protein function. This variant disrupts the p.Arg530 amino acid residue in LRSAM1. Other variant(s) that disrupt this residue have been observed in individuals with LRSAM1-related conditions (PMID: 34190362), which suggests that this may be a clinically significant amino acid residue. In summary, the available evidence is currently insufficient to determine the role of this variant in disease. Therefore, it has been classified as a Variant of Uncertain Significance.

Women's Health and Genetics/Laboratory Corporation of America, LabCorp
Classification: Uncertain significance. Last evaluated: 2024-03-13. Review status: criteria provided, single submitter. Criteria: LabCorp Variant Classification Summary - May 2015. Collection method: clinical testing. Allele origin: germline.
Comment: Variant summary: LRSAM1 c.1588C>T (p.Arg530Trp) results in a non-conservative amino acid change in the encoded protein sequence. Four of five in-silico tools predict a damaging effect of the variant on protein function. The variant allele was found at a frequency of 9.2e-05 in 250736 control chromosomes. c.1588C>T has been reported in the literature in one individual affected with Charcot-Marie Disease, without strong evidence for causality (Modersitzki_2022). These report(s) do not provide unequivocal conclusions about association of the variant with Charcot-Marie Disease Type 2P. To our knowledge, no experimental evidence demonstrating an impact on protein function has been reported. The following publication have been ascertained in the context of this evaluation (PMID: 35234685). ClinVar contains an entry for this variant (Variation ID: 646525). Based on the evidence outlined above, the variant was classified as uncertain significance.

GeneDx
Classification: Uncertain significance. Last evaluated: 2023-12-08. Review status: criteria provided, single submitter. Criteria: GeneDx Variant Classification Process June 2021. Collection method: clinical testing. Allele origin: germline. Affected: yes.
Comment: Reported previously as a variant of uncertain significance in a patient with ophthalmoparesis and Charcot-Marie-Tooth disease (CMT) (PMID: 35234685); In silico analysis supports that this missense variant has a deleterious effect on protein structure/function; This variant is associated with the following publications: (PMID: 35234685)

Ambry Genetics
Classification: Uncertain significance for Inborn genetic diseases. Last evaluated: 2021-03-28. Review status: criteria provided, single submitter. Criteria: Ambry Variant Classification Scheme 2023. Collection method: clinical testing. Allele origin: germline.
Comment: The p.R530W variant (also known as c.1588C>T), located in coding exon 19 of the LRSAM1 gene, results from a C to T substitution at nucleotide position 1588. The arginine at codon 530 is replaced by tryptophan, an amino acid with dissimilar properties. This amino acid position is not well conserved in available vertebrate species. In addition, the in silico prediction for this alteration is inconclusive. Based on the supporting evidence, this variant is unlikely to be causative of autosomal dominant Charcot-Marie-Tooth disease; however, its contribution to the development of autosomal recessive Charcot-Marie-Tooth disease is uncertain.

Literature cited by the submitters: PubMed 35234685 (cited by Labcorp Genetics (formerly Invitae), Labcorp and Women's Health and Genetics/Laboratory Corporation of America, LabCorp); PubMed 34190362 (cited by Labcorp Genetics (formerly Invitae), Labcorp).